The following is an entry in ClinVar:

ClinVar aggregate classification (germline): Likely pathogenic (1 of 4 stars; one submission).

Conditions:
Tay-Sachs disease (TSD). Also called: GM2 gangliosidosis, type 1; Hexosaminidase alpha-subunit deficiency (variant B); Sphingolipidosis, Tay-Sachs; Hexosaminidase A Deficiency; HEXA DEFICIENCY; HEXA Disorders. Identifiers: Orphanet 845, MedGen C0039373, MONDO:0010100, OMIM 272800.

Submission:

Myriad Genetics, Inc.
Classification: Likely pathogenic for Tay-Sachs disease. Last evaluated: 2021-12-30. Review status: criteria provided, single submitter. Criteria: Myriad Women's Health Autosomal Recessive and X-Linked Classification Criteria (2021). Collection method: clinical testing. Allele origin: unknown.
Comment: NM_000520.4(HEXA):c.207_208delTG(D70Pfs*35) is expected to be pathogenic in the context of hexosaminidase A deficiency. This variant is predicted to lead to an abnormal or absent protein product due to the creation of a premature termination codon in HEXA, a gene where loss-of-function variants are known to be pathogenic. Please note: this variant was assessed in the context of healthy population screening.

NM_000520.6(HEXA):c.207_208del (p.Asp70fs)

Gene: HEXA (hexosaminidase subunit alpha; minus strand). Cytogenetic location: 15q23.
Variant type: Deletion.
Coding change: c.207_208del on transcript NM_000520.6 (MANE Select); coding-DNA positions 207 to 208, 2 bases deleted (TG; older notation c.207_208delTG).
Protein change: p.Asp70fs; shifts the reading frame from aspartic acid 70.
Molecular consequence: frameshift variant. On other transcripts: non-coding transcript variant (1).
Genome position (GRCh38, 1-based): chr15:72,375,765-72,375,766, CA deleted on the plus strand (TG on the coding strand, the reverse complement: HEXA is on the minus strand); deleting any 2 consecutive bases within chr15:72,375,765-72,375,767 gives the same sequence; the c. name uses the placement nearest the transcript's 3' end. VCF-style (leftmost placement, unchanged base first): chr15-72375764-TCA-T. GRCh37 (hg19) VCF-style: chr15-72668105-TCA-T.
Other names: c.207_208del, p.Asp70fs (NM_001318825.2); short protein forms D70fs.
Identifiers: ClinVar variation 1726682 (VCV001726682.2), dbSNP rs2542581414, ClinGen allele CA2580089939.
Genomic context (GRCh38, chr15:72,375,764, plus strand): 5'-GACAAGTCCGACTCACCTGTGAGGTAAGGACGGGGCCAAGACCCGGAACCGAAAAGCAGG[TCA>T]CGATAGCGCTGGAAGGCCTCGTCGAGGACTGAGCAGCCGGGCTGCGCGGCCGAGCTGACA-3'